The following is an entry in ClinVar:

NM_001395413.1(POR):c.1606G>A (p.Gly536Arg)

Gene: POR (cytochrome p450 oxidoreductase; plus strand). Cytogenetic location: 7q11.23.
Variant type: single nucleotide variant.
Coding change: c.1606G>A on transcript NM_001395413.1 (MANE Select); coding-DNA position 1606, G replaced by A.
Protein change: p.Gly536Arg; replaces glycine 536 with arginine.
Molecular consequence: missense variant.
Genome position (GRCh38, 1-based): chr7:75,985,795, G>A. VCF-style: chr7-75985795-G-A. GRCh37 (hg19) VCF-style: chr7-75615113-G-A.
Other names: G539R; c.1615G>A (NM_000941.3, NM_000941.2); c.1606G>A, p.Gly536Arg (NM_001367562.3, NM_001382657.2, NM_001382658.3 and 1 more transcripts); c.1660G>A, p.Gly554Arg (NM_001382655.3); c.1456G>A, p.Gly486Arg (NM_001382662.3); c.1669G>A (NM_001382655.1); short protein forms G486R, G536R, G554R.
Identifiers: ClinVar variation 16915 (VCV000016915.11), dbSNP rs121912976, ClinGen allele CA257672.
Genomic context (GRCh38, chr7:75,985,795, plus strand): 5'-TCCCAGTTCCGCCTGCCCTTCAAGGCCACCACGCCTGTCATCATGGTGGGCCCCGGCACC[G>A]GGGTGGCACCCTTCATAGGCTTCATCCAGGAGCGGGCCTGGCTGCGACAGCAGGGTGAGT-3'
Protein context (NP_001382342.1, residues 526-546): TPVIMVGPGT[Gly536Arg]VAPFIGFIQE

ClinVar aggregate classification (germline): Pathogenic. Review status: criteria provided, multiple submitters, no conflicts (2 of 4 stars). 7 submissions from 6 submitters: Pathogenic (4). 3 of the submissions do not count toward it. Last evaluated 2025-03-14.

Conditions:
POR-related disorder. Also called: POR-related condition.
Congenital adrenal hyperplasia due to cytochrome P450 oxidoreductase deficiency. Also called: DISORDERED STEROIDOGENESIS DUE TO POR DEFICIENCY. Identifiers: Orphanet 95699, MedGen C1860042, MONDO:0013310, OMIM 613571.
Antley-Bixler syndrome with genital anomalies and disordered steroidogenesis (ABS1). Also called: POR Deficiency. Identifiers: Orphanet 63269, MedGen C3150099, MONDO:0008726, OMIM 201750.
Congenital adrenal hyperplasia. Identifiers: Orphanet 418, MedGen C0001627, MONDO:0018479, HP:0008258.

Allele frequency attached by ClinVar (database versions not stated): gnomAD 0.00002 and 0.00003; TOPMed 0.00002; gnomAD exomes 0.00003.
gnomAD v4.1: 35 of 1,567,400 alleles (0.0022%); highest among the groups gnomAD compares: East Asian, 0.0047%; no homozygotes.

Submissions (7):

First Genomix Gene Laboratory, Genetic Diagnostics Department
Classification: Pathogenic for Congenital adrenal hyperplasia due to cytochrome P450 oxidoreductase deficiency; Antley-Bixler syndrome with genital anomalies and disordered steroidogenesis. Last evaluated: 2025-03-14. Review status: criteria provided, single submitter. Criteria: ACMG Guidelines, 2015. Collection method: clinical testing. Allele origin: germline. Inheritance: Autosomal recessive inheritance. Affected: no. Observed: 1 variant allele.

Labcorp Genetics (formerly Invitae), Labcorp
Classification: Pathogenic for Congenital adrenal hyperplasia due to cytochrome P450 oxidoreductase deficiency. Last evaluated: 2024-01-11. Review status: criteria provided, single submitter. Criteria: Invitae Variant Classification Sherloc (09022015). Collection method: clinical testing. Allele origin: germline.
Comment: This sequence change replaces glycine, which is neutral and non-polar, with arginine, which is basic and polar, at codon 539 of the POR protein (p.Gly539Arg). The frequency data for this variant in the population databases is considered unreliable, as metrics indicate poor data quality at this position in the gnomAD database. This missense change has been observed in individual(s) with clinical features of POR-related conditions (PMID: 15793702, 18559916, 31598952, 34009138). In at least one individual the data is consistent with being in trans (on the opposite chromosome) from a pathogenic variant. ClinVar contains an entry for this variant (Variation ID: 16915). Advanced modeling of protein sequence and biophysical properties (such as structural, functional, and spatial information, amino acid conservation, physicochemical variation, residue mobility, and thermodynamic stability) performed at Invitae indicates that this missense variant is expected to disrupt POR protein function with a positive predictive value of 80%. Experimental studies have shown that this missense change affects POR function (PMID: 15793702). For these reasons, this variant has been classified as Pathogenic.

Women's Health and Genetics/Laboratory Corporation of America, LabCorp
Classification: Pathogenic for Congenital adrenal hyperplasia. Last evaluated: 2023-05-04. Review status: criteria provided, single submitter. Criteria: LabCorp Variant Classification Summary - May 2015. Collection method: clinical testing. Allele origin: germline.
Comment: Variant summary: POR c.1606G>A (p.Gly536Arg) results in a non-conservative amino acid change in the encoded protein sequence. Four of four in-silico tools predict a damaging effect of the variant on protein function. The variant allele was found at a frequency of 3.4e-05 in 177730 control chromosomes (gnomAD). c.1606G>A (also known as c.1615G>A, p.G539R.) has been reported in the literature in multiple bi-allelic individuals affected with Congenital Adrenal Hyperplasia (example: Huang_2005, Hershkovitz_2008, Tenenbaum-Rakover_2021). At least one publication reports experimental evidence evaluating an impact on protein function and demonstrated that this variant impairs normal activity of the protein (example: Huang_2005). These data indicate that the variant is very likely to be associated with disease. The following publications have been ascertained in the context of this evaluation (PMID: 15793702, 18559916, 34009138). Two clinical diagnostic laboratories have submitted clinical-significance assessments for this variant to ClinVar after 2014 and classified the variant as pathogenic. Based on the evidence outlined above, the variant was classified as pathogenic.

Victorian Clinical Genetics Services, Murdoch Childrens Research Institute
Classification: Pathogenic for Congenital adrenal hyperplasia due to cytochrome P450 oxidoreductase deficiency. Last evaluated: 2022-02-02. Review status: criteria provided, single submitter. Criteria: ACMG Guidelines, 2015. Collection method: clinical testing. Allele origin: germline. Inheritance: Autosomal recessive inheritance. Affected: yes.
Comment: Based on the classification scheme VCGS_Germline_v1.3.4, this variant is classified as Pathogenic. Following criteria are met: 0102 - Loss of function is a known mechanism of disease in this gene and is associated with Antley-Bixler syndrome with genital anomalies and disordered steroidogenesis (MIM#201750), and disordered steroidogenesis due to cytochrome P450 oxidoreductase (MIM#613571). (I) 0106 - This gene is associated with autosomal recessive disease. (I) 0200 - Variant is predicted to result in a missense amino acid change from glycine to arginine. (I) 0251 - This variant is heterozygous. (I) 0304 - Variant is present in gnomAD (v2) <0.01 for a recessive condition (6 heterozygotes, 0 homozygotes). (SP) 0501 - Missense variant consistently predicted to be damaging by multiple in silico tools or highly conserved with a major amino acid change. (SP) 0600 - Variant is located in the annotated FAD-binding FR-type domain, and forms part of the structural motif (Uniprot, NCBI). (I) 0705 - No comparable missense variants have previous evidence for pathogenicity. (I) 0801 - This variant has strong previous evidence of pathogenicity in unrelated individuals. This variant has been reported as pathogenic (LOVD, ClinVar) and has been observed in multiple homozygous patients with P450 oxidoreductase deficiency (PORD) and compound heterozygous patients with Antley-Bixler syndrome or PORD (PMID: 18559916, PMID: 15793702, PMID: 19837910, PMID: 23878291). (SP) 1002 - This variant has moderate functional evidence supporting abnormal protein function. Functional assays have proven that this variant results in significantly reduced eletron transport and catalytic efficiency (PMID: 22252407). (I) Legend: (SP) - Supporting pathogenic, (I) - Information, (SB) - Supporting benign

PreventionGenetics, part of Exact Sciences
Classification: Pathogenic for POR-related condition. Last evaluated: 2024-08-08. Review status: no assertion criteria provided. Collection method: clinical testing. Allele origin: germline. Not counted in ClinVar's aggregate classification.
Comment: The POR c.1615G>A variant is predicted to result in the amino acid substitution p.Gly539Arg. This variant has been reported in the homozygous and compound heterozygous state in multiple individuals with Antley-Bixler syndrome with genital anomalies and P450 Oxidoreductase Deficiency (Sahakitrungruang et al. 2009. PubMed ID: 19837910; Sánchez-Garvín et al. 2013. PubMed ID: 23878291; Peng et al. 2019. PubMed ID: 31598952; Tenenbaum-Rakover et al. 2021. PubMed ID: 34009138). In vitro and biochemical experimental studies suggest this variant impacts protein function (Huang et al. 2005. PubMed ID: 15793702; Moutinho et al. 2012. PubMed ID: 22252407).This variant is reported in 0.015% of alleles in individuals of East Asian descent in gnomAD. This variant is interpreted as pathogenic.

OMIM
Classification: Pathogenic for ANTLEY-BIXLER SYNDROME WITH GENITAL ANOMALIES AND DISORDERED STEROIDOGENESIS. Last evaluated: 2008-09-01. Review status: no assertion criteria provided. Collection method: literature only. Allele origin: germline. Not counted in ClinVar's aggregate classification.

OMIM
Classification: Pathogenic for DISORDERED STEROIDOGENESIS DUE TO CYTOCHROME P450 OXIDOREDUCTASE DEFICIENCY. Last evaluated: 2008-09-01. Review status: no assertion criteria provided. Collection method: literature only. Allele origin: germline. Not counted in ClinVar's aggregate classification.

Literature cited by the submitters: PubMed 15793702 (cited by 4 submitters); PubMed 18559916 (cited by 4 submitters); PubMed 31598952 (cited by Labcorp Genetics (formerly Invitae), Labcorp); PubMed 34009138 (cited by Labcorp Genetics (formerly Invitae), Labcorp and Women's Health and Genetics/Laboratory Corporation of America, LabCorp); PubMed 19837910 (cited by Victorian Clinical Genetics Services, Murdoch Childrens Research Institute); PubMed 22252407 (cited by Victorian Clinical Genetics Services, Murdoch Childrens Research Institute); PubMed 23878291 (cited by Victorian Clinical Genetics Services, Murdoch Childrens Research Institute); PubMed 9360545 (cited by OMIM).